The following is an entry in ClinVar:

NM_001378183.1(PIEZO2):c.7779+5G>C

Gene: PIEZO2 (piezo type mechanosensitive ion channel component 2; minus strand). Cytogenetic location: 18p11.22.
Variant type: single nucleotide variant.
Coding change: c.7779+5G>C on transcript NM_001378183.1 (MANE Select); 5 bases into the intron after coding-DNA position 7779, G replaced by C.
Molecular consequence: intron variant.
Genome position (GRCh38, 1-based): chr18:10,681,656, C>G on the plus strand (G>C on the coding strand, the complement: PIEZO2 is on the minus strand). VCF-style: chr18-10681656-C-G. GRCh37 (hg19) VCF-style: chr18-10681653-C-G.
Other names: c.7440+5G>C (NM_022068.4); c.7515+5G>C (NM_001410871.1).
Identifiers: ClinVar variation 3377508 (VCV003377508.1).

ClinVar aggregate classification (germline): Uncertain significance (1 of 4 stars; one submission).

Conditions:
Arthrogryposis, distal, with impaired proprioception and touch (DAIPT). Identifiers: MedGen C4310692, MONDO:0014941, OMIM 617146.

gnomAD v4.1: 10 of 1,569,400 alleles (0.00064%); highest among the groups gnomAD compares: Non-Finnish European, 0.00088%; no homozygotes.

Submission:

Victorian Clinical Genetics Services, Murdoch Childrens Research Institute
Classification: Uncertain significance for Arthrogryposis, distal, with impaired proprioception and touch. Last evaluated: 2023-07-16. Review status: criteria provided, single submitter. Criteria: ACMG Guidelines, 2015. Collection method: clinical testing. Allele origin: germline. Inheritance: Autosomal recessive inheritance. Affected: yes.
Comment: Based on the classification scheme VCGS_Germline_v1.3.4, this variant is classified as VUS-3A. Following criteria are met: 0103 - Loss of function and gain of function are known mechanisms of disease in this gene and are associated with arthrogryposis (OMIM). Loss of function has generally been shown to be caused by NMD variants whereas gain of function has generally been associated with missense variants clustered in the C-terminal (PMID: 30988732). (I) 0108 - This gene is associated with both recessive and dominant disease. Recessive disease is due to loss of function variants and dominant disease is due to gain of function variants (PMID: 30988732). The phenotypes have been recently regarded as etiologically related (PMID: 24726473). (I) 0212 - Non-canonical splice site variant without proven consequence on splicing (no functional evidence available). (SP) 0251 - This variant is heterozygous. (I) 0301 - Variant is absent from gnomAD (both v2 and v3). (SP) 0505 - Abnormal splicing is predicted by in silico tools and affected nucleotide is highly conserved. (SP) 0705 - No comparable splice variants have previous evidence for pathogenicity. (I) 0807 - This variant has no previous evidence of pathogenicity. (I) 0905 - No published segregation evidence has been identified for this variant. (I) 1007 - No published functional evidence has been identified for this variant. (I) 1102 - Strong phenotype match for this individual. (I) Legend: (SP) - Supporting pathogenic, (I) - Information, (SB) - Supporting benign

Literature cited by the submitters: PubMed 24726473; PubMed 30988732.